The following is an entry in ClinVar:

NM_000350.3(ABCA4):c.2654-7G>A

Gene: ABCA4 (ATP binding cassette subfamily A member 4; minus strand). Cytogenetic location: 1p22.1.
Variant type: single nucleotide variant.
Coding change: c.2654-7G>A on transcript NM_000350.3 (MANE Select); 7 bases into the intron before coding-DNA position 2654, G replaced by A.
Molecular consequence: intron variant.
Genome position (GRCh38, 1-based): chr1:94,048,964, C>T on the plus strand (G>A on the coding strand, the complement: ABCA4 is on the minus strand). VCF-style: chr1-94048964-C-T. GRCh37 (hg19) VCF-style: chr1-94514520-C-T.
Other names: c.2432-7G>A (NM_001425324.1).
Identifiers: ClinVar variation 3641754 (VCV003641754.2).

ClinVar aggregate classification (germline): Uncertain significance (1 of 4 stars; one submission).

Submission:

Labcorp Genetics (formerly Invitae), Labcorp
Classification: Uncertain significance. Last evaluated: 2024-02-17. Review status: criteria provided, single submitter. Criteria: Invitae Variant Classification Sherloc (09022015). Collection method: clinical testing. Allele origin: germline.
Comment: This sequence change falls in intron 17 of the ABCA4 gene. It does not directly change the encoded amino acid sequence of the ABCA4 protein. This variant is not present in population databases (gnomAD no frequency). This variant has not been reported in the literature in individuals affected with ABCA4-related conditions. Algorithms developed to predict the effect of sequence changes on RNA splicing suggest that this variant may disrupt the consensus splice site. In summary, the available evidence is currently insufficient to determine the role of this variant in disease. Therefore, it has been classified as a Variant of Uncertain Significance.